The following is an entry in ClinVar:

ClinVar aggregate classification (germline): Benign. Review status: criteria provided, single submitter (1 of 4 stars). 2 submissions from 2 submitters: Benign (1). 1 of the submissions does not count toward it. Last evaluated 2026-01-14.

Conditions:
Frontotemporal dementia and/or amyotrophic lateral sclerosis 1 (FTDALS1). Also called: Frontotemporal dementia with motor neuron disease 1; C9orf72 Frontotemporal Dementia and/or Amyotrophic Lateral Sclerosis. Identifiers: Orphanet 275872, MedGen C5779877, MONDO:0007105, OMIM 105550.
Paget disease of bone 2, early-onset (PDB2). Also called: Paget disease of bone 2. Identifiers: MedGen C4085251, MONDO:0011183, OMIM 602080.
SQSTM1-related disorder. Also called: SQSTM1-Related Disorders.

Allele frequency attached by ClinVar (database versions not stated): gnomAD exomes 0.00004 and 0.00023; gnomAD 0.00005 and 0.00007; TOPMed 0.00013; ExAC 0.00022; 1000 Genomes Project 30x 0.00062; 1000 Genomes Project 0.00080.
gnomAD v4.1: 71 of 1,613,936 alleles (0.0044%); highest among the groups gnomAD compares: East Asian, 0.13%; no homozygotes.

Submissions (2):

Labcorp Genetics (formerly Invitae), Labcorp
Classification: Benign for Paget disease of bone 2, early-onset; Frontotemporal dementia and/or amyotrophic lateral sclerosis 1. Last evaluated: 2026-01-14. Review status: criteria provided, single submitter. Criteria: Invitae Variant Classification Sherloc (09022015). Collection method: clinical testing. Allele origin: germline.

PreventionGenetics, part of Exact Sciences
Classification: Likely benign for SQSTM1-related condition. Last evaluated: 2022-02-04. Review status: no assertion criteria provided. Collection method: clinical testing. Allele origin: germline. Not counted in ClinVar's aggregate classification.
Comment: This variant is classified as likely benign based on ACMG/AMP sequence variant interpretation guidelines (Richards et al. 2015 PMID: 25741868, with internal and published modifications).

NM_003900.5(SQSTM1):c.1165+9A>G

Gene: SQSTM1 (sequestosome 1; plus strand). Cytogenetic location: 5q35.3.
Variant type: single nucleotide variant.
Coding change: c.1165+9A>G on transcript NM_003900.5 (MANE Select); 9 bases into the intron after coding-DNA position 1165, A replaced by G.
Molecular consequence: intron variant.
Genome position (GRCh38, 1-based): chr5:179,833,791, A>G. VCF-style: chr5-179833791-A-G. GRCh37 (hg19) VCF-style: chr5-179260791-A-G.
Other names: c.913+9A>G (NM_001142298.2, NM_001142299.2).
Identifiers: ClinVar variation 772074 (VCV000772074.13), dbSNP rs138885571, ClinGen allele CA3600817.